The following is an entry in ClinVar:

NM_006196.4(PCBP1):c.462dup (p.Val155fs)

Genes: PCBP1 (poly(rC) binding protein 1; plus strand), PCBP1-AS1 (PCBP1 antisense RNA 1; minus strand). Cytogenetic location: 2p13.3.
Variant type: Duplication.
Coding change: c.462dup on transcript NM_006196.4 (MANE Select); coding-DNA position 462, one base duplicated (T; older notation c.462dupT).
Protein change: p.Val155fs; shifts the reading frame from valine 155.
Molecular consequence: frameshift variant. On other transcripts: non-coding transcript variant (5).
Genome position (GRCh38, 1-based): chr2:70,088,205, T duplicated. VCF-style (leftmost placement, unchanged base first): chr2-70088204-C-CT. GRCh37 (hg19) VCF-style: chr2-70315336-C-CT.
Other names: short protein forms V155fs.
Identifiers: ClinVar variation 4852571 (VCV004852571.1).
Genomic context (GRCh38, chr2:70,088,204, plus strand): 5'-CGGGGGATATGCTGCCCAACTCCACCGAGCGGGCCATCACCATCGCTGGCGTGCCGCAGT[C>CT]TGTCACCGAGTGTGTCAAGCAGATTTGCCTGGTCATGCTGGAGACGCTCTCCCAGTCTCC-3'

ClinVar aggregate classification (germline): Pathogenic (1 of 4 stars; one submission).

Conditions:
Neurodevelopmental disorder. Identifiers: MedGen C1535926, MeSH D065886, MONDO:0700092.

Submission:

Laboratory of Molecular Genetics (Pr. Bezieau's lab), CHU de Nantes
Classification: Pathogenic for Neurodevelopmental disorder. Last evaluated: 2026-05-27. Review status: criteria provided, single submitter. Criteria: ACMG Guidelines, 2015. Collection method: clinical testing. Allele origin: de novo. Inheritance: Autosomal dominant inheritance. Affected: yes. Observed: 1 variant allele, 1 heterozygote.
Comment: Evidence for loss of function/haploinsufficiency being pathogenic in PMID: 41415500. ACMG criteria: PVS1, PS2, PM2. Protein change: p.( Val155Cysfs*59).

Literature cited by the submitters: PubMed 41415500.